The following is an entry in ClinVar:

ClinVar aggregate classification (germline): Likely benign (1 of 4 stars; one submission).

Allele frequency attached by ClinVar (database versions not stated): ExAC 0.00106; 1000 Genomes Project 30x 0.00125; 1000 Genomes Project 0.00140; gnomAD 0.00274; TOPMed 0.00290; gnomAD exomes 0.00341.
gnomAD v4.1: 2,286 of 703,012 alleles (0.33%); highest among the groups gnomAD compares: Non-Finnish European, 0.52%; 3 homozygotes.

Submission:

CeGaT Center for Human Genetics Tuebingen
Classification: Likely benign. Last evaluated: 2022-10-01. Review status: criteria provided, single submitter. Criteria: CeGaT Center For Human Genetics Tuebingen Variant Classification Criteria Version 2. Collection method: clinical testing. Allele origin: germline. Affected: yes. Observed: 2 variant alleles.
Comment: MYO15B: BP4, BP7

NM_001395058.1(MYO15B):c.3369C>T (p.Ser1123=)

Gene: MYO15B (myosin XVB; plus strand). Cytogenetic location: 17q25.1.
Variant type: single nucleotide variant.
Coding change: c.3369C>T on transcript NM_001395058.1 (MANE Select); coding-DNA position 3369, C replaced by T.
Protein change: p.Ser1123=; no amino-acid change (serine 1123 retained).
Molecular consequence: synonymous variant.
Genome position (GRCh38, 1-based): chr17:75,596,531, C>T. VCF-style: chr17-75596531-C-T. GRCh37 (hg19) VCF-style: chr17-73592612-C-T.
Other names: c.3255C>T, p.Ser1085= (NM_001309242.2).
Identifiers: ClinVar variation 2648270 (VCV002648270.24), dbSNP rs72854930, ClinGen allele CA8765951.
Genomic context (GRCh38, chr17:75,596,531, plus strand): 5'-GAATGGCCTGGAGCAACTGTGCAACAACCTCGCCAGCGAGCGCCTACAGCTCTTCTCCAG[C>T]CAGATGCTGCTGGCCCAGGAGGAGGTAAGAGGATTGGGCGTGGACGTGGCAGGGGCCGCT-3'
Protein context (NP_001381987.1, residues 1113-1133): LASERLQLFS[Ser1123=]QMLLAQEEEE